The following is an entry in ClinVar:

NM_000136.3(FANCC):c.693G>T (p.Lys231Asn)

Genes: AOPEP (aminopeptidase O (putative); plus strand), FANCC (FA complementation group C; minus strand). Cytogenetic location: 9q22.32.
Variant type: single nucleotide variant.
Coding change: c.693G>T on transcript NM_000136.3 (MANE Select); coding-DNA position 693, G replaced by T.
Protein change: p.Lys231Asn; replaces lysine 231 with asparagine.
Molecular consequence: missense variant.
Genome position (GRCh38, 1-based): chr9:95,135,496, C>A on the plus strand (G>T on the coding strand, the complement: FANCC is on the minus strand). VCF-style: chr9-95135496-C-A. GRCh37 (hg19) VCF-style: chr9-97897778-C-A.
Other names: c.693G>T, p.Lys231Asn (NM_001243743.2, NM_001243744.2); short protein forms K231N.
Identifiers: ClinVar variation 2565556 (VCV002565556.2), dbSNP rs955961811, ClinGen allele CA374109480.

ClinVar aggregate classification (germline): Uncertain significance (1 of 4 stars; one submission).

Conditions:
Hereditary cancer-predisposing syndrome. Also called: Neoplastic Syndromes, Hereditary; Hereditary Cancer Syndrome; Hereditary neoplastic syndrome; Tumor predisposition. Identifiers: Orphanet 140162, MedGen C0027672, MeSH D009386, MONDO:0015356.

Submission:

Ambry Genetics
Classification: Uncertain significance for Hereditary cancer-predisposing syndrome. Last evaluated: 2023-05-31. Review status: criteria provided, single submitter. Criteria: Ambry Variant Classification Scheme 2023. Collection method: clinical testing. Allele origin: germline.
Comment: The p.K231N variant (also known as c.693G>T), located in coding exon 7 of the FANCC gene, results from a G to T substitution at nucleotide position 693. The lysine at codon 231 is replaced by asparagine, an amino acid with similar properties. This amino acid position is conserved. In addition, this alteration is predicted to be tolerated by in silico analysis. Since supporting evidence is limited at this time, the clinical significance of this alteration remains unclear.